The following is an entry in ClinVar:

ClinVar aggregate classification (germline): Conflicting classifications of pathogenicity. Review status: criteria provided, conflicting classifications (1 of 4 stars). 3 submissions from 3 submitters: Pathogenic (1); Likely pathogenic (1); Uncertain significance (1). Last evaluated 2026-06-29.

Conditions:
Microcephaly, short stature, and impaired glucose metabolism 2 (MSSGM2). Identifiers: Orphanet 391408, MedGen C4225195, MONDO:0014785, OMIM 616817.

Allele frequency attached by ClinVar (database versions not stated): ExAC 0.00001.
gnomAD v4.1: 5 of 1,614,044 alleles (0.00031%); highest among the groups gnomAD compares: Non-Finnish European, 0.00042%; no homozygotes.

Submissions (3):

Laboratory of Medical Genetics, University of Torino
Classification: Pathogenic for Microcephaly, short stature, and impaired glucose metabolism 2. Last evaluated: 2026-06-29. Review status: criteria provided, single submitter. Criteria: ACMG Guidelines, 2015. Collection method: clinical testing. Allele origin: biparental. Affected: yes.

Labcorp Genetics (formerly Invitae), Labcorp
Classification: Uncertain significance. Last evaluated: 2024-03-06. Review status: criteria provided, single submitter. Criteria: Invitae Variant Classification Sherloc (09022015). Collection method: clinical testing. Allele origin: germline.
Comment: This sequence change replaces arginine, which is basic and polar, with histidine, which is basic and polar, at codon 658 of the PPP1R15B protein (p.Arg658His). This variant is present in population databases (rs759466766, gnomAD 0.0009%). This variant has not been reported in the literature in individuals affected with PPP1R15B-related conditions. ClinVar contains an entry for this variant (Variation ID: 807902). Advanced modeling of protein sequence and biophysical properties (such as structural, functional, and spatial information, amino acid conservation, physicochemical variation, residue mobility, and thermodynamic stability) performed at Invitae indicates that this missense variant is expected to disrupt PPP1R15B protein function with a positive predictive value of 80%. In summary, the available evidence is currently insufficient to determine the role of this variant in disease. Therefore, it has been classified as a Variant of Uncertain Significance.

CeGaT Center for Human Genetics Tuebingen
Classification: Likely pathogenic. Last evaluated: 2020-04-01. Review status: criteria provided, single submitter. Criteria: CeGaT Center For Human Genetics Tuebingen Variant Classification Criteria Version 2. Collection method: clinical testing. Allele origin: germline. Affected: yes. Observed: 4 variant alleles.

NM_032833.5(PPP1R15B):c.1973G>A (p.Arg658His)

Gene: PPP1R15B (protein phosphatase 1 regulatory subunit 15B; minus strand). Cytogenetic location: 1q32.1.
Variant type: single nucleotide variant.
Coding change: c.1973G>A on transcript NM_032833.5 (MANE Select); coding-DNA position 1973, G replaced by A.
Protein change: p.Arg658His; replaces arginine 658 with histidine.
Molecular consequence: missense variant.
Genome position (GRCh38, 1-based): chr1:204,406,261, C>T on the plus strand (G>A on the coding strand, the complement: PPP1R15B is on the minus strand). VCF-style: chr1-204406261-C-T. GRCh37 (hg19) VCF-style: chr1-204375389-C-T.
Other names: short protein forms R658H.
Identifiers: ClinVar variation 807902 (VCV000807902.46), dbSNP rs759466766, ClinGen allele CA1346527.